The following is an entry in ClinVar:

NM_004568.6(SERPINB6):c.796G>A (p.Glu266Lys)

Gene: SERPINB6 (serpin family B member 6; minus strand). Cytogenetic location: 6p25.2.
Variant type: single nucleotide variant.
Coding change: c.796G>A on transcript NM_004568.6 (MANE Select); coding-DNA position 796, G replaced by A.
Protein change: p.Glu266Lys; replaces glutamic acid 266 with lysine.
Molecular consequence: missense variant. On other transcripts: non-coding transcript variant (1).
Genome position (GRCh38, 1-based): chr6:2,948,633, C>T on the plus strand (G>A on the coding strand, the complement: SERPINB6 is on the minus strand). VCF-style: chr6-2948633-C-T. GRCh37 (hg19) VCF-style: chr6-2948867-C-T.
Other names: c.808G>A, p.Glu270Lys (NM_001195291.3, NM_001374515.1); c.838G>A, p.Glu280Lys (NM_001271822.2); c.853G>A, p.Glu285Lys (NM_001271823.2); c.796G>A, p.Glu266Lys (NM_001271824.2, NM_001271825.2, NM_001297699.2 and 2 more transcripts); c.664G>A, p.Glu222Lys (NM_001374517.1); short protein forms E222K, E266K, E270K, E280K, E285K.
Identifiers: ClinVar variation 3603031 (VCV003603031.2).

ClinVar aggregate classification (germline): Uncertain significance (1 of 4 stars; one submission).

gnomAD v4.1: 14 of 1,614,170 alleles (0.00087%); highest among the groups gnomAD compares: Admixed American, 0.022%; no homozygotes.

Submission:

GeneDx
Classification: Uncertain significance. Last evaluated: 2025-04-10. Review status: criteria provided, single submitter. Criteria: GeneDx Variant Classification Process June 2021. Collection method: clinical testing. Allele origin: germline.
Comment: In silico analysis indicates that this missense variant does not alter protein structure/function; Has not been previously published as pathogenic or benign to our knowledge